The following is an entry in ClinVar:

ClinVar aggregate classification (germline): Uncertain significance (1 of 4 stars; one submission).

Submission:

Ambry Genetics
Classification: Uncertain significance. Last evaluated: 2025-01-03. Review status: criteria provided, single submitter. Criteria: Ambry Variant Classification Scheme 2023. Collection method: clinical testing. Allele origin: germline.
Comment: The p.A99E variant (also known as c.296C>A), located in coding exon 1 of the WNK2 gene, results from a C to A substitution at nucleotide position 296. The alanine at codon 99 is replaced by glutamic acid, an amino acid with dissimilar properties. This amino acid position is conserved. In addition, this alteration is predicted to be tolerated by in silico analysis. Based on the available evidence, the clinical significance of this variant remains unclear.

NM_006648.4(WNK2):c.296C>A (p.Ala99Glu)

Gene: WNK2 (WNK lysine deficient protein kinase 2; plus strand). Cytogenetic location: 9q22.31.
Variant type: single nucleotide variant.
Coding change: c.296C>A on transcript NM_006648.4 (MANE Select); coding-DNA position 296, C replaced by A.
Protein change: p.Ala99Glu; replaces alanine 99 with glutamic acid.
Molecular consequence: missense variant.
Genome position (GRCh38, 1-based): chr9:93,185,225, C>A. VCF-style: chr9-93185225-C-A. GRCh37 (hg19) VCF-style: chr9-95947507-C-A.
Other names: c.296C>A, p.Ala99Glu (NM_001282394.3); short protein forms A99E.
Identifiers: ClinVar variation 3816702 (VCV003816702.1).